The following is an entry in ClinVar:

NM_022788.5(P2RY12):c.1024A>G (p.Met342Val)

Genes: MED12L (mediator complex subunit 12L; plus strand), P2RY12 (purinergic receptor P2Y12; minus strand). Cytogenetic location: 3q25.1.
Variant type: single nucleotide variant.
Coding change: c.1024A>G on transcript NM_022788.5 (MANE Select); coding-DNA position 1024, A replaced by G.
Protein change: p.Met342Val; replaces methionine 342 with valine.
Molecular consequence: missense variant. On other transcripts: intron variant (2).
Genome position (GRCh38, 1-based): chr3:151,337,822, T>C on the plus strand (A>G on the coding strand, the complement: P2RY12 is on the minus strand). VCF-style: chr3-151337822-T-C. GRCh37 (hg19) VCF-style: chr3-151055610-T-C.
Other names: c.1024A>G, p.Met342Val (NM_176876.3); c.2251-12237T>C (NM_001393769.1); c.2146-12237T>C (NM_053002.6); short protein forms M342V.
Identifiers: ClinVar variation 4743677 (VCV004743677.1).

ClinVar aggregate classification (germline): Uncertain significance (1 of 4 stars; one submission).

gnomAD v4.1: 7 of 1,613,808 alleles (0.00043%); highest among the groups gnomAD compares: Admixed American, 0.012%; no homozygotes.

Submission:

Labcorp Genetics (formerly Invitae), Labcorp
Classification: Uncertain significance. Last evaluated: 2025-05-01. Review status: criteria provided, single submitter. Criteria: Invitae Variant Classification Sherloc (09022015). Collection method: clinical testing. Allele origin: germline.
Comment: This sequence change replaces methionine, which is neutral and non-polar, with valine, which is neutral and non-polar, at codon 342 of the P2RY12 protein (p.Met342Val). This variant is present in population databases (rs757399384, gnomAD 0.02%). This variant has not been reported in the literature in individuals affected with P2RY12-related conditions. An algorithm developed to predict the effect of missense changes on protein structure and function outputs the following: PolyPhen-2: "Benign". The valine amino acid residue is found in multiple mammalian species, which suggests that this missense change does not adversely affect protein function. In summary, the available evidence is currently insufficient to determine the role of this variant in disease. Therefore, it has been classified as a Variant of Uncertain Significance.